The following is an entry in ClinVar:

ClinVar aggregate classification (germline): Likely benign (1 of 4 stars; one submission).

Allele frequency attached by ClinVar (database versions not stated): ExAC 0.00004; gnomAD 0.00006; TOPMed 0.00009; ESP Exome Variant Server 0.00015.

Submission:

CeGaT Center for Human Genetics Tuebingen
Classification: Likely benign. Last evaluated: 2023-01-01. Review status: criteria provided, single submitter. Criteria: CeGaT Center For Human Genetics Tuebingen Variant Classification Criteria Version 2. Collection method: clinical testing. Allele origin: germline. Affected: yes. Observed: 1 variant allele.
Comment: TAS1R3: BP4, BP7

NM_152228.3(TAS1R3):c.1578G>A (p.Ala526=)

Gene: TAS1R3 (taste 1 receptor member 3; plus strand). Cytogenetic location: 1p36.33.
Variant type: single nucleotide variant.
Coding change: c.1578G>A on transcript NM_152228.3 (MANE Select); coding-DNA position 1578, G replaced by A.
Protein change: p.Ala526=; no amino-acid change (alanine 526 retained).
Molecular consequence: synonymous variant.
Genome position (GRCh38, 1-based): chr1:1,333,357, G>A. VCF-style: chr1-1333357-G-A. GRCh37 (hg19) VCF-style: chr1-1268737-G-A.
Identifiers: ClinVar variation 2638001 (VCV002638001.24), dbSNP rs374466982, ClinGen allele CA519311.